The following is an entry in ClinVar:

NM_000465.4(BARD1):c.210C>G (p.Phe70Leu)

Gene: BARD1 (BRCA1 associated RING domain 1; minus strand). Cytogenetic location: 2q35.
Variant type: single nucleotide variant.
Coding change: c.210C>G on transcript NM_000465.4 (MANE Select); coding-DNA position 210, C replaced by G.
Protein change: p.Phe70Leu; replaces phenylalanine 70 with leucine.
Molecular consequence: missense variant. On other transcripts: non-coding transcript variant (2), intron variant (2).
Genome position (GRCh38, 1-based): chr2:214,797,066, G>C on the plus strand (C>G on the coding strand, the complement: BARD1 is on the minus strand). VCF-style: chr2-214797066-G-C. GRCh37 (hg19) VCF-style: chr2-215661790-G-C.
Other names: c.210C>G, p.Phe70Leu (NM_001282545.2, NM_001282549.2); c.158+12346C>G (NM_001282548.2); c.159-4621C>G (NM_001282543.2); short protein forms F70L.
Identifiers: ClinVar variation 2828305 (VCV002828305.3), dbSNP rs2469581656, ClinGen allele CA350462142.

ClinVar aggregate classification (germline): Uncertain significance (1 of 4 stars; one submission).

Conditions:
Familial cancer of breast. Also called: hereditary breast carcinoma; BREAST CANCER, FAMILIAL; Hereditary breast cancer. Identifiers: Orphanet 227535, MedGen C0346153, MONDO:0016419, OMIM 114480. Disease mechanism: loss of function.

Submission:

Labcorp Genetics (formerly Invitae), Labcorp
Classification: Uncertain significance for Familial cancer of breast. Last evaluated: 2023-01-13. Review status: criteria provided, single submitter. Criteria: Invitae Variant Classification Sherloc (09022015). Collection method: clinical testing. Allele origin: germline.
Comment: This sequence change replaces phenylalanine, which is neutral and non-polar, with leucine, which is neutral and non-polar, at codon 70 of the BARD1 protein (p.Phe70Leu). In summary, the available evidence is currently insufficient to determine the role of this variant in disease. Therefore, it has been classified as a Variant of Uncertain Significance. Algorithms developed to predict the effect of missense changes on protein structure and function (SIFT, PolyPhen-2, Align-GVGD) all suggest that this variant is likely to be tolerated. This variant has not been reported in the literature in individuals affected with BARD1-related conditions. This variant is not present in population databases (gnomAD no frequency).